The following is an entry in ClinVar:

ClinVar aggregate classification (germline): Uncertain significance. Review status: criteria provided, multiple submitters, no conflicts (2 of 4 stars). 4 submissions from 4 submitters: Uncertain significance (4). Last evaluated 2025-03-25.

Conditions:
Brody myopathy. Also called: BRODY DISEASE. Identifiers: Orphanet 53347, MedGen C1832918, MONDO:0010977, OMIM 601003.

Allele frequency attached by ClinVar (database versions not stated): gnomAD 0.00001.
gnomAD v4.1: 7 of 1,613,528 alleles (0.00043%); highest among the groups gnomAD compares: Non-Finnish European, 0.00059%; no homozygotes.

Submissions (4):

Revvity Omics, Revvity
Classification: Uncertain significance for Brody myopathy. Last evaluated: 2025-03-25. Review status: criteria provided, single submitter. Criteria: ACMG Guidelines, 2015. Collection method: clinical testing. Allele origin: germline.

Labcorp Genetics (formerly Invitae), Labcorp
Classification: Uncertain significance for Brody myopathy. Last evaluated: 2025-01-20. Review status: criteria provided, single submitter. Criteria: Invitae Variant Classification Sherloc (09022015). Collection method: clinical testing. Allele origin: germline.
Comment: This sequence change replaces isoleucine, which is neutral and non-polar, with threonine, which is neutral and polar, at codon 947 of the ATP2A1 protein (p.Ile947Thr). The frequency data for this variant in the population databases is considered unreliable, as metrics indicate poor data quality at this position in the gnomAD database. This variant has not been reported in the literature in individuals affected with ATP2A1-related conditions. ClinVar contains an entry for this variant (Variation ID: 837450). An algorithm developed to predict the effect of missense changes on protein structure and function (PolyPhen-2) suggests that this variant is likely to be disruptive. In summary, the available evidence is currently insufficient to determine the role of this variant in disease. Therefore, it has been classified as a Variant of Uncertain Significance.

GeneDx
Classification: Uncertain significance. Last evaluated: 2024-08-13. Review status: criteria provided, single submitter. Criteria: GeneDx Variant Classification Process June 2021. Collection method: clinical testing. Allele origin: germline. Affected: yes.
Comment: Not observed at significant frequency in large population cohorts (gnomAD); In silico analysis supports that this missense variant has a deleterious effect on protein structure/function; Has not been previously published as pathogenic or benign to our knowledge

Blueprint Genetics
Classification: Uncertain significance. Last evaluated: 2023-12-01. Review status: criteria provided, single submitter. Criteria: ACMG Guidelines, 2015. Collection method: clinical testing. Allele origin: germline.

NM_004320.6(ATP2A1):c.2840T>C (p.Ile947Thr)

Gene: ATP2A1 (ATPase sarcoplasmic/endoplasmic reticulum Ca2+ transporting 1; plus strand). Cytogenetic location: 16p11.2.
Variant type: single nucleotide variant.
Coding change: c.2840T>C on transcript NM_004320.6 (MANE Select); coding-DNA position 2840, T replaced by C.
Protein change: p.Ile947Thr; replaces isoleucine 947 with threonine.
Molecular consequence: missense variant.
Genome position (GRCh38, 1-based): chr16:28,903,125, T>C. VCF-style: chr16-28903125-T-C. GRCh37 (hg19) VCF-style: chr16-28914446-T-C.
Other names: c.2465T>C, p.Ile822Thr (NM_001286075.2); c.2840T>C, p.Ile947Thr (NM_173201.5); c.2840T>C (NM_173201.4); short protein forms I947T, I822T.
Identifiers: ClinVar variation 837450 (VCV000837450.9), dbSNP rs1413587198, ClinGen allele CA395415673.
Genomic context (GRCh38, chr16:28,903,125, plus strand): 5'-CCTGGGTGAACATCTGGCTGCTGGGCTCCATCTGCCTCTCCATGTCCCTGCACTTCCTCA[T>C]CCTCTATGTTGACCCCCTGCCGGTGAGGTTTCTTCCGCCCAGGGCCGCCCACCCCAGCAC-3'
Protein context (NP_004311.1, residues 937-957): ICLSMSLHFL[Ile947Thr]LYVDPLPMIF